The following is an entry in ClinVar:

NM_020366.4(RPGRIP1):c.1919C>T (p.Ala640Val)

Gene: RPGRIP1 (RPGR interacting protein 1; plus strand). Cytogenetic location: 14q11.2.
Variant type: single nucleotide variant.
Coding change: c.1919C>T on transcript NM_020366.4 (MANE Select); coding-DNA position 1919, C replaced by T.
Protein change: p.Ala640Val; replaces alanine 640 with valine.
Molecular consequence: missense variant. On other transcripts: intron variant (4).
Genome position (GRCh38, 1-based): chr14:21,324,774, C>T. VCF-style: chr14-21324774-C-T. GRCh37 (hg19) VCF-style: chr14-21792933-C-T.
Other names: c.845C>T, p.Ala282Val (NM_001377948.1); c.796+49C>T (NM_001377949.1); c.688+2770C>T (NM_001377523.1, NM_001377950.1); c.190+2770C>T (NM_001377951.1); short protein forms A282V, A640V.
Identifiers: ClinVar variation 2178555 (VCV002178555.3), dbSNP rs926693760, ClinGen allele CA257536063.
Genomic context (GRCh38, chr14:21,324,774, plus strand): 5'-TGCTGCATCAGGGTGAGAATCTTTTTGAACTGCACATCCACCAGGCCTTCCTGACATCTG[C>T]CGCCCTAGCTCAGGCTGGAGATACCCAACCTACCACTTTCTGCACCTATTCCTTCTATGA-3'
Protein context (NP_065099.3, residues 630-650): LHIHQAFLTS[Ala640Val]ALAQAGDTQP

ClinVar aggregate classification (germline): Uncertain significance (1 of 4 stars; one submission).

Conditions:
Leber congenital amaurosis 6 (LCA6). Identifiers: Orphanet 65, MedGen C1854260, MONDO:0013446, OMIM 613826.
Cone-rod dystrophy 13 (CORD13). Identifiers: Orphanet 1872, MedGen C2750720, MONDO:0011987, OMIM 608194.

Allele frequency attached by ClinVar (database versions not stated): gnomAD exomes below 0.00001; gnomAD 0.00001; TOPMed 0.00001.
gnomAD v4.1: 5 of 1,613,964 alleles (0.00031%); highest among the groups gnomAD compares: Non-Finnish European, 0.00042%; no homozygotes.

Submission:

Labcorp Genetics (formerly Invitae), Labcorp
Classification: Uncertain significance for Leber congenital amaurosis 6; Cone-rod dystrophy 13. Last evaluated: 2024-02-24. Review status: criteria provided, single submitter. Criteria: Invitae Variant Classification Sherloc (09022015). Collection method: clinical testing. Allele origin: germline.
Comment: This sequence change replaces alanine, which is neutral and non-polar, with valine, which is neutral and non-polar, at codon 640 of the RPGRIP1 protein (p.Ala640Val). This variant is not present in population databases (gnomAD no frequency). This variant has not been reported in the literature in individuals affected with RPGRIP1-related conditions. ClinVar contains an entry for this variant (Variation ID: 2178555). Advanced modeling of protein sequence and biophysical properties (such as structural, functional, and spatial information, amino acid conservation, physicochemical variation, residue mobility, and thermodynamic stability) performed at Invitae indicates that this missense variant is expected to disrupt RPGRIP1 protein function with a positive predictive value of 80%. In summary, the available evidence is currently insufficient to determine the role of this variant in disease. Therefore, it has been classified as a Variant of Uncertain Significance.